The following is an entry in ClinVar:

ClinVar aggregate classification (germline): Likely benign. Review status: criteria provided, multiple submitters, no conflicts (2 of 4 stars). 2 submissions from 2 submitters: Likely benign (2). Last evaluated 2025-02-05.

Conditions:
POLD1-related polyposis and colorectal cancer syndrome (CRCS10). Also called: Colorectal cancer 10; COLORECTAL CANCER, SUSCEPTIBILITY TO, ON CHROMOSOME 19q; Colorectal cancer, susceptibility to, 10. Identifiers: Orphanet 220460, MedGen C2675481, MONDO:0012953, OMIM 612591.

Submissions (2):

Myriad Genetics, Inc.
Classification: Likely benign for POLD1-related polyposis and colorectal cancer syndrome. Last evaluated: 2025-02-05. Review status: criteria provided, single submitter. Criteria: Myriad Autosomal Dominant, Autosomal Recessive and X-Linked Classification Criteria (2023). Collection method: clinical testing. Allele origin: unknown.
Comment: This variant is considered likely benign. This variant is intronic and is not expected to impact mRNA splicing.

Labcorp Genetics (formerly Invitae), Labcorp
Classification: Likely benign for POLD1-related polyposis and colorectal cancer syndrome. Last evaluated: 2022-01-10. Review status: criteria provided, single submitter. Criteria: Invitae Variant Classification Sherloc (09022015). Collection method: clinical testing. Allele origin: germline.

NM_002691.4(POLD1):c.1137+7C>G

Gene: POLD1 (DNA polymerase delta 1, catalytic subunit; plus strand). Cytogenetic location: 19q13.33.
Variant type: single nucleotide variant.
Coding change: c.1137+7C>G on transcript NM_002691.4 (MANE Select); 7 bases into the intron after coding-DNA position 1137, C replaced by G.
Molecular consequence: intron variant.
Genome position (GRCh38, 1-based): chr19:50,403,226, C>G. VCF-style: chr19-50403226-C-G. GRCh37 (hg19) VCF-style: chr19-50906483-C-G.
Other names: c.1137+7C>G (NM_001256849.1, NM_001308632.1).
Identifiers: ClinVar variation 1546681 (VCV001546681.9), dbSNP rs1216925148, ClinGen allele CA2573156571.
Genomic context (GRCh38, chr19:50,403,226, plus strand): 5'-CCCATCCTGGGTGCCAAGGTGCAGAGCTACGAGAAGGAGGAGGACCTGCTGCAGGTAGCT[C>G]TCGCTCCACGCCCCACACCATTTCCCGGGGTCCCCGCCAGCCTCCGCGTCCTGAGCCATC-3'